The following is an entry in ClinVar:

NM_000218.3(KCNQ1):c.976A>G (p.Lys326Glu)

Gene: KCNQ1 (potassium voltage-gated channel subfamily Q member 1; plus strand). Cytogenetic location: 11p15.5.
Variant type: single nucleotide variant.
Coding change: c.976A>G on transcript NM_000218.3 (MANE Select); coding-DNA position 976, A replaced by G.
Protein change: p.Lys326Glu; replaces lysine 326 with glutamic acid.
Molecular consequence: missense variant.
Genome position (GRCh38, 1-based): chr11:2,583,489, A>G. VCF-style: chr11-2583489-A-G. GRCh37 (hg19) VCF-style: chr11-2604719-A-G.
Other names: c.976A>G, p.Lys326Glu (NM_001406836.1); c.706A>G, p.Lys236Glu (NM_001406837.1); c.532A>G, p.Lys178Glu (NM_001406838.1); c.595A>G, p.Lys199Glu (NM_181798.2); short protein forms K178E, K199E, K236E, K326E.
Identifiers: ClinVar variation 3532639 (VCV003532639.1).

ClinVar aggregate classification (germline): Uncertain significance (1 of 4 stars; one submission).

Conditions:
Cardiovascular phenotype. Identifiers: MedGen CN230736.

Submission:

Ambry Genetics
Classification: Uncertain significance for Cardiovascular phenotype. Last evaluated: 2024-10-03. Review status: criteria provided, single submitter. Criteria: Ambry Variant Classification Scheme 2023. Collection method: clinical testing. Allele origin: germline.
Comment: The p.K326E variant (also known as c.976A>G), located in coding exon 7 of the KCNQ1 gene, results from an A to G substitution at nucleotide position 976. The lysine at codon 326 is replaced by glutamic acid, an amino acid with similar properties. This variant has been reported in an individual in a long QT syndrome cohort, but clinical details were limited (Nagata Y et al. PLoS One, 2022 Dec;17:e0277242). This amino acid position is highly conserved in available vertebrate species. In addition, this alteration is predicted to be deleterious by in silico analysis. Based on the available evidence, the clinical significance of this variant remains unclear.

Literature cited by the submitters: PubMed 36480497.